The following is an entry in ClinVar:

NM_002972.4(SBF1):c.545C>T (p.Ser182Leu)

Gene: SBF1 (SET binding factor 1; minus strand). Cytogenetic location: 22q13.33.
Variant type: single nucleotide variant.
Coding change: c.545C>T on transcript NM_002972.4 (MANE Select); coding-DNA position 545, C replaced by T.
Protein change: p.Ser182Leu; replaces serine 182 with leucine.
Molecular consequence: missense variant.
Genome position (GRCh38, 1-based): chr22:50,467,342, G>A on the plus strand (C>T on the coding strand, the complement: SBF1 is on the minus strand). VCF-style: chr22-50467342-G-A. GRCh37 (hg19) VCF-style: chr22-50905771-G-A.
Other names: c.545C>T (NM_002972.2); c.548C>T, p.Ser183Leu (NM_001365819.1); short protein forms S182L, S183L.
Identifiers: ClinVar variation 1523569 (VCV001523569.7), dbSNP rs781458572, ClinGen allele CA10318046.

ClinVar aggregate classification (germline): Uncertain significance. Review status: criteria provided, multiple submitters, no conflicts (2 of 4 stars). 4 submissions from 4 submitters: Uncertain significance (4). Last evaluated 2025-10-01.

Allele frequency attached by ClinVar (database versions not stated): TOPMed 0.00002; gnomAD 0.00003 and 0.00004; gnomAD exomes 0.00004 and 0.00005; ExAC 0.00006.
gnomAD v4.1: 62 of 1,613,638 alleles (0.0038%); highest among the groups gnomAD compares: East Asian, 0.0045%; no homozygotes.

Submissions (4):

Women's Health and Genetics/Laboratory Corporation of America, LabCorp
Classification: Uncertain significance. Last evaluated: 2025-10-01. Review status: criteria provided, single submitter. Criteria: LabCorp Variant Classification Summary - May 2015. Collection method: clinical testing. Allele origin: germline.
Comment: Variant summary: SBF1 c.545C>T (p.Ser182Leu) results in a non-conservative amino acid change in the encoded protein sequence. Algorithms developed to predict the effect of missense changes on protein structure and function are either unavailable or do not agree on the potential impact of this missense change. The variant allele was found at a frequency of 5.2e-05 in 248596 control chromosomes. This frequency is not significantly higher than estimated for disease-causing variants in SBF1, allowing no conclusion about variant significance. To our knowledge, no occurrence of c.545C>T in individuals affected with SBF1-related conditions and no experimental evidence demonstrating its impact on protein function have been reported. ClinVar contains an entry for this variant (Variation ID: 1523569). Based on the evidence outlined above, the variant was classified as uncertain significance.

Labcorp Genetics (formerly Invitae), Labcorp
Classification: Uncertain significance. Last evaluated: 2024-12-16. Review status: criteria provided, single submitter. Criteria: Invitae Variant Classification Sherloc (09022015). Collection method: clinical testing. Allele origin: germline.
Comment: This sequence change replaces serine, which is neutral and polar, with leucine, which is neutral and non-polar, at codon 182 of the SBF1 protein (p.Ser182Leu). This variant is present in population databases (rs781458572, gnomAD 0.008%). This variant has not been reported in the literature in individuals affected with SBF1-related conditions. ClinVar contains an entry for this variant (Variation ID: 1523569). Invitae Evidence Modeling of protein sequence and biophysical properties (such as structural, functional, and spatial information, amino acid conservation, physicochemical variation, residue mobility, and thermodynamic stability) has been performed for this missense variant. However, the output from this modeling did not meet the statistical confidence thresholds required to predict the impact of this variant on SBF1 protein function. In summary, the available evidence is currently insufficient to determine the role of this variant in disease. Therefore, it has been classified as a Variant of Uncertain Significance.

Blueprint Genetics
Classification: Uncertain significance. Last evaluated: 2024-03-19. Review status: criteria provided, single submitter. Criteria: ACMG Guidelines, 2015. Collection method: clinical testing. Allele origin: germline.

Ambry Genetics
Classification: Uncertain significance. Last evaluated: 2024-01-16. Review status: criteria provided, single submitter. Criteria: Ambry Variant Classification Scheme 2023. Collection method: clinical testing. Allele origin: germline.